The following is an entry in ClinVar:

NM_006892.4(DNMT3B):c.1992G>A (p.Leu664=)

Gene: DNMT3B (DNA methyltransferase 3 beta; plus strand). Cytogenetic location: 20q11.21.
Variant type: single nucleotide variant.
Coding change: c.1992G>A on transcript NM_006892.4 (MANE Select); coding-DNA position 1992, G replaced by A.
Protein change: p.Leu664=; no amino-acid change (leucine 664 retained).
Molecular consequence: synonymous variant.
Genome position (GRCh38, 1-based): chr20:32,800,921, G>A. VCF-style: chr20-32800921-G-A. GRCh37 (hg19) VCF-style: chr20-31388727-G-A.
Other names: c.1806G>A, p.Leu602= (NM_001207055.2); c.1704G>A, p.Leu568= (NM_001207056.2); c.1932G>A, p.Leu644= (NM_175848.2, NM_175849.2); c.1968G>A, p.Leu656= (NM_175850.3).
Identifiers: ClinVar variation 2052110 (VCV002052110.7), dbSNP rs149238013, ClinGen allele CA9810775.

ClinVar aggregate classification (germline): Likely benign. Review status: criteria provided, multiple submitters, no conflicts (2 of 4 stars). 3 submissions from 3 submitters: Likely benign (3). Last evaluated 2026-06-01.

Conditions:
Centromeric instability of chromosomes 1,9 and 16 and immunodeficiency (ICF1). Also called: CENTROMERIC INSTABILITY, IMMUNODEFICIENCY SYNDROME; Immunodeficiency-centromeric instability-facial anomalies; IMMUNE DEFICIENCY, VARIABLE, WITH CENTROMERIC INSTABILITY OF CHROMOSOMES 1, 9, AND 16; IMMUNODEFICIENCY SYNDROME, VARIABLE. Identifiers: Orphanet 2268, MedGen C0398788, MONDO:0000133.

Allele frequency attached by ClinVar (database versions not stated): gnomAD exomes 0.00001; ExAC 0.00007; gnomAD 0.00016; TOPMed 0.00019; 1000 Genomes Project 0.00020; 1000 Genomes Project 30x 0.00031; ESP Exome Variant Server 0.00031.

Submissions (3):

CeGaT Center for Human Genetics Tuebingen
Classification: Likely benign. Last evaluated: 2026-06-01. Review status: criteria provided, single submitter. Criteria: CeGaT Center For Human Genetics Tuebingen Variant Classification Criteria Version 2. Collection method: clinical testing. Allele origin: germline. Affected: yes. Observed: 1 variant allele.
Comment: DNMT3B: BP4, BP7

Labcorp Genetics (formerly Invitae), Labcorp
Classification: Likely benign for Centromeric instability of chromosomes 1,9 and 16 and immunodeficiency. Last evaluated: 2025-12-29. Review status: criteria provided, single submitter. Criteria: Invitae Variant Classification Sherloc (09022015). Collection method: clinical testing. Allele origin: germline.

Blueprint Genetics
Classification: Likely benign. Last evaluated: 2024-09-05. Review status: criteria provided, single submitter. Criteria: ACMG Guidelines, 2015. Collection method: clinical testing. Allele origin: germline.